The following is an entry in ClinVar:

ClinVar aggregate classification (germline): Likely benign. Review status: criteria provided, multiple submitters, no conflicts (2 of 4 stars). 2 submissions from 2 submitters: Likely benign (2). Last evaluated 2025-09-20.

Submissions (2):

Labcorp Genetics (formerly Invitae), Labcorp
Classification: Likely benign. Last evaluated: 2025-09-20. Review status: criteria provided, single submitter. Criteria: Invitae Variant Classification Sherloc (09022015). Collection method: clinical testing. Allele origin: germline.

GeneDx
Classification: Likely benign. Last evaluated: 2017-08-23. Review status: criteria provided, single submitter. Criteria: GeneDx Variant Classification (06012015). Collection method: clinical testing. Allele origin: germline. Affected: yes.
Comment: This variant is considered likely benign or benign based on one or more of the following criteria: it is a conservative change, it occurs at a poorly conserved position in the protein, it is predicted to be benign by multiple in silico algorithms, and/or has population frequency not consistent with disease.

NM_014806.5(RUSC2):c.2015-7_2015-5dup

Gene: RUSC2 (RUN and SH3 domain containing 2; plus strand). Cytogenetic location: 9p13.3.
Variant type: Duplication.
Coding change: c.2015-7_2015-5dup on transcript NM_014806.5 (MANE Select); 7 bases into the intron before coding-DNA position 2015 through 5 bases into the intron before coding-DNA position 2015, 3 bases duplicated (GCT; older notation c.2015-7_2015-5dupGCT).
Molecular consequence: intron variant.
Genome position (GRCh38, 1-based): chr9:35,555,053-35,555,055, GCT duplicated; duplicating any 3 consecutive bases within chr9:35,555,052-35,555,055 gives the same sequence; the c. name uses the placement nearest the transcript's 3' end. VCF-style (leftmost placement, unchanged base first): chr9-35555051-T-TTGC. GRCh37 (hg19) VCF-style: chr9-35555048-T-TTGC.
Other names: c.2015-7_2015-5dupGCT (NM_001135999.1); c.-620-7_-620-5dup (NM_001330740.2); c.2015-7_2015-5dup (NM_001135999.2).
Identifiers: ClinVar variation 511545 (VCV000511545.4), dbSNP rs772950502, ClinGen allele CA5043789.